The following is an entry in ClinVar:

ClinVar aggregate classification (germline): Uncertain significance (1 of 4 stars; one submission).

Conditions:
Inborn genetic diseases. Identifiers: MedGen C0950123, MeSH D030342.

Submission:

Ambry Genetics
Classification: Uncertain significance for Inborn genetic diseases. Last evaluated: 2026-06-05. Review status: criteria provided, single submitter. Criteria: Ambry Variant Classification Scheme 2023. Collection method: clinical testing. Allele origin: germline.
Comment: The p.R310T variant (also known as c.929G>C), located in coding exon 7 of the BMPR2 gene, results from a G to C substitution at nucleotide position 929. The arginine at codon 310 is replaced by threonine, an amino acid with similar properties. This amino acid position is conserved. In addition, the in silico prediction for this alteration is inconclusive. Based on the available evidence, the clinical significance of this variant remains unclear.

NM_001204.7(BMPR2):c.929G>C (p.Arg310Thr)

Gene: BMPR2 (bone morphogenetic protein receptor type 2; plus strand). Cytogenetic location: 2q33.2.
Variant type: single nucleotide variant.
Coding change: c.929G>C on transcript NM_001204.7 (MANE Select); coding-DNA position 929, G replaced by C.
Protein change: p.Arg310Thr; replaces arginine 310 with threonine.
Molecular consequence: missense variant.
Genome position (GRCh38, 1-based): chr2:202,520,163, G>C. VCF-style: chr2-202520163-G-C. GRCh37 (hg19) VCF-style: chr2-203384886-G-C.
Other names: short protein forms R310T.
Identifiers: ClinVar variation 4867654 (VCV004867654.1).